The following is an entry in ClinVar:

NM_002235.5(KCNA6):c.54G>C (p.Pro18=)

Genes: KCNA6 (potassium voltage-gated channel subfamily A member 6; plus strand), KCNA6-AS1 (KCNA6 antisense RNA 1; minus strand). Cytogenetic location: 12p13.32.
Variant type: single nucleotide variant.
Coding change: c.54G>C on transcript NM_002235.5 (MANE Select); coding-DNA position 54, G replaced by C.
Protein change: p.Pro18=; no amino-acid change (proline 18 retained).
Molecular consequence: synonymous variant. On other transcripts: non-coding transcript variant (3).
Genome position (GRCh38, 1-based): chr12:4,810,095, G>C. VCF-style: chr12-4810095-G-C. GRCh37 (hg19) VCF-style: chr12-4919261-G-C.
Identifiers: ClinVar variation 4983340 (VCV004983340.1).

ClinVar aggregate classification (germline): Likely benign (1 of 4 stars; one submission).

Conditions:
KCNA6-related condition.

gnomAD v4.1: 200 of 1,568,658 alleles (0.013%); highest among the groups gnomAD compares: African/African-American, 0.21%; 1 homozygote.

Submission:

PreventionGenetics, part of Exact Sciences
Classification: Likely benign for KCNA6-related condition. Last evaluated: 2024-11-09. Review status: criteria provided, single submitter. Criteria: ACMG Guidelines, 2015. Collection method: clinical testing. Allele origin: germline.
Comment: This variant is classified as likely benign based on ACMG/AMP sequence variant interpretation guidelines (Richards et al. 2015 PMID: 25741868, with internal and published modifications).